The following is an entry in ClinVar:

ClinVar aggregate classification (germline): Likely pathogenic (1 of 4 stars; one submission).

Conditions:
Aromatase deficiency. Also called: PSEUDOHERMAPHRODITISM, FEMALE, DUE TO PLACENTAL AROMATASE DEFICIENCY; Increased aromatase activity. Identifiers: Orphanet 91, MedGen C1960539, MONDO:0013301, OMIM 613546.

gnomAD v4.1: 63 of 1,589,394 alleles (0.004%); highest among the groups gnomAD compares: Non-Finnish European, 0.0045%; no homozygotes.

Submission:

Natera, Inc.
Classification: Likely pathogenic for Aromatase deficiency. Last evaluated: 2025-05-02. Review status: criteria provided, single submitter. Criteria: Natera Variant Classification Schema (03/2026). Collection method: clinical testing. Allele origin: germline.
Comment: The c.1304G>A variant in CYP19A1 is a missense variant predicted to cause substitution of arginine to histidine at amino acid 435. This variant is rare in the general population with a frequency below the threshold expected for the associated phenotype(s). This variant has been observed in one or more individuals affected with the associated recessive disease, as either homozygous or compound heterozygous with a second variant (PMID: 34348419). Additionally, this variant has been observed to segregate in affected family members (PMID: 34348419). A different variant at the same position has been determined to be Pathogenic or Likely Pathogenic. Computational prediction algorithms indicate this variant is likely to affect gene or protein function. Given the available evidence, this variant is classified as Likely Pathogenic.

Literature cited by the submitters: PubMed 34348419.

NM_000103.4(CYP19A1):c.1304G>A (p.Arg435His)

Genes: MIR4713HG (MIR4713 host gene; plus strand), CYP19A1 (cytochrome P450 family 19 subfamily A member 1; minus strand), PIRC66 (piwi-interacting RNA cluster 66; plus strand). Cytogenetic location: 15q21.2.
Variant type: single nucleotide variant.
Coding change: c.1304G>A on transcript NM_000103.4 (MANE Select); coding-DNA position 1304, G replaced by A.
Protein change: p.Arg435His; replaces arginine 435 with histidine.
Molecular consequence: missense variant.
Genome position (GRCh38, 1-based): chr15:51,211,016, C>T on the plus strand (G>A on the coding strand, the complement: CYP19A1 is on the minus strand). VCF-style: chr15-51211016-C-T. GRCh37 (hg19) VCF-style: chr15-51503213-C-T.
Other names: c.1304G>A, p.Arg435His (NM_001347248.1, NM_001347249.2, NM_001347250.2 and 7 more transcripts); short protein forms R435H.
Identifiers: ClinVar variation 4816270 (VCV004816270.1).